The following is an entry in ClinVar:

NM_020461.4(TUBGCP6):c.2155C>T (p.Arg719Ter)

Gene: TUBGCP6 (tubulin gamma complex component 6; minus strand). Cytogenetic location: 22q13.33.
Variant type: single nucleotide variant.
Coding change: c.2155C>T on transcript NM_020461.4 (MANE Select); coding-DNA position 2155, C replaced by T.
Protein change: p.Arg719Ter; replaces arginine 719 with a stop codon.
Molecular consequence: nonsense.
Genome position (GRCh38, 1-based): chr22:50,224,256, G>A on the plus strand (C>T on the coding strand, the complement: TUBGCP6 is on the minus strand). VCF-style: chr22-50224256-G-A. GRCh37 (hg19) VCF-style: chr22-50662685-G-A.
Other names: short protein forms R719*.
Identifiers: ClinVar variation 1325319 (VCV001325319.9), dbSNP rs776065095, ClinGen allele CA10308326.

ClinVar aggregate classification (germline): Pathogenic/Likely pathogenic. Review status: criteria provided, multiple submitters, no conflicts (2 of 4 stars). 3 submissions from 3 submitters: Pathogenic (1); Likely pathogenic (2). Last evaluated 2025-03-07.

Conditions:
TUBGCP6-related disorder. Also called: TUBGCP6-related condition.
Microcephaly and chorioretinopathy 1. Also called: Microcephaly and chorioretinopathy, autosomal recessive, 1. Identifiers: MedGen C3278481, MONDO:0009624, OMIM 251270.

Allele frequency attached by ClinVar (database versions not stated): gnomAD 0.00001 and 0.00002; gnomAD exomes 0.00002 and 0.00003; TOPMed 0.00002; ExAC 0.00005.
gnomAD v4.1: 26 of 1,613,980 alleles (0.0016%); highest among the groups gnomAD compares: East Asian, 0.0045%; no homozygotes.

Submissions (3):

Labcorp Genetics (formerly Invitae), Labcorp
Classification: Pathogenic. Last evaluated: 2025-03-07. Review status: criteria provided, single submitter. Criteria: Invitae Variant Classification Sherloc (09022015). Collection method: clinical testing. Allele origin: germline.
Comment: This sequence change creates a premature translational stop signal (p.Arg719*) in the TUBGCP6 gene. It is expected to result in an absent or disrupted protein product. Loss-of-function variants in TUBGCP6 are known to be pathogenic (PMID: 25344692). This variant is present in population databases (rs776065095, gnomAD 0.006%). This variant has not been reported in the literature in individuals affected with TUBGCP6-related conditions. ClinVar contains an entry for this variant (Variation ID: 1325319). For these reasons, this variant has been classified as Pathogenic.

Blueprint Genetics
Classification: Likely pathogenic for TUBGCP6-related disorders. Last evaluated: 2024-03-08. Review status: criteria provided, single submitter. Criteria: ACMG Guidelines, 2015. Collection method: clinical testing. Allele origin: germline. Affected: yes. Observed: 3 variant alleles.

Revvity Omics, Revvity
Classification: Likely pathogenic for Microcephaly and chorioretinopathy 1. Last evaluated: 2021-06-18. Review status: criteria provided, single submitter. Criteria: ACMG Guidelines, 2015. Collection method: clinical testing. Allele origin: germline.

Literature cited by the submitters: PubMed 25344692 (cited by Labcorp Genetics (formerly Invitae), Labcorp).